The following is an entry in ClinVar:

ClinVar aggregate classification (germline): Pathogenic/Likely pathogenic. Review status: criteria provided, multiple submitters, no conflicts (2 of 4 stars). 8 submissions from 8 submitters: Pathogenic (5); Likely pathogenic (3). Last evaluated 2025-12-20.

Conditions:
Adult hypophosphatasia. Identifiers: Orphanet 247676, Orphanet 436, MedGen C0268413, MONDO:1010154, OMIM 146300, MONDO:0007798.
Childhood hypophosphatasia. Identifiers: Orphanet 247667, Orphanet 436, MedGen C0220743, MONDO:1010168, OMIM 241510, MONDO:0009428.
Infantile hypophosphatasia. Identifiers: Orphanet 247651, Orphanet 436, MedGen C0268412, MONDO:1010169, OMIM 241500, MONDO:0009427.
Micromelia. Identifiers: MedGen C0025995, HP:0002983.
Hypophosphatasia. Also called: Phosphoethanol-aminuria. Identifiers: Orphanet 436, MedGen C0020630, MeSH D007014, MONDO:0018570.

Allele frequency attached by ClinVar (database versions not stated): gnomAD exomes 0.00001 and below 0.00001.
gnomAD v4.1: 5 of 1,614,012 alleles (0.00031%); highest among the groups gnomAD compares: East Asian, 0.011%; no homozygotes.

Submissions (8):

Labcorp Genetics (formerly Invitae), Labcorp
Classification: Pathogenic. Last evaluated: 2025-12-20. Review status: criteria provided, single submitter. Criteria: Invitae Variant Classification Sherloc (09022015). Collection method: clinical testing. Allele origin: germline.
Comment: This sequence change replaces tyrosine, which is neutral and polar, with histidine, which is basic and polar, at codon 178 of the ALPL protein (p.Tyr178His). This variant is present in population databases (no rsID available, gnomAD 0.02%). This missense change has been observed in individual(s) with hypophosphatasia (PMID: 29160033, 31146036). In at least one individual the data is consistent with being in trans (on the opposite chromosome) from a pathogenic variant. It has also been observed to segregate with disease in related individuals. ClinVar contains an entry for this variant (Variation ID: 1076160). Invitae Evidence Modeling of protein sequence and biophysical properties (such as structural, functional, and spatial information, amino acid conservation, physicochemical variation, residue mobility, and thermodynamic stability) indicates that this missense variant is expected to disrupt ALPL protein function with a positive predictive value of 95%. Experimental studies have shown that this missense change affects ALPL function (PMID: 29160033, 31146036). For these reasons, this variant has been classified as Pathogenic.

Natera, Inc.
Classification: Pathogenic for Hypophosphatasia. Last evaluated: 2025-11-26. Review status: criteria provided, single submitter. Criteria: Natera Variant Classification Schema (03/2026). Collection method: clinical testing. Allele origin: germline.
Comment: The c.532T>C variant in ALPL is a missense variant predicted to cause substitution of tyrosine to histidine at amino acid 178. This variant is rare in the general population with a frequency below the threshold expected for the associated phenotype(s). This variant has been observed in one or more individuals affected with the associated recessive disease, as either homozygous or compound heterozygous with a second variant (PMID: 29160033, 31146036, 32956941). Additionally, this variant has been observed to segregate in affected family members (PMID: 29160033). Functional studies show that this variant may disrupt protein function (PMID: 29160033, 31146036). Computational prediction algorithms indicate this variant is likely to affect gene or protein function. Given the available evidence, this variant is classified as Pathogenic.

Genomenon, Inc
Classification: Pathogenic for Hypophosphatasia. Last evaluated: 2025-08-29. Review status: criteria provided, single submitter. Criteria: Genomenon Sequence Variant Interpretation Standards. Collection method: curation. Allele origin: germline. Affected: yes.
Comment: ALPL c.532T>C is a missense variant that changes the amino acid at residue 178 from Tyrosine to Histidine. This variant has been observed in at least one proband affected with hypophosphatasia (PMID:32956941;29160033;31146036). The variant was found to segregate with disease in at least one affected family (PMID:29160033). At least one functional study has demonstrated a substantial alteration in protein function relative to the wild-type (PMID:31146036;29160033). It is absent or not present at a significant frequency in gnomAD. In silico models agree that this variant is possibly or probably damaging. In conclusion, we classify ALPL p.Tyr178His (c.532T>C) as a pathogenic variant.

3billion
Classification: Likely pathogenic for Infantile hypophosphatasia. Last evaluated: 2025-08-27. Review status: criteria provided, single submitter. Criteria: ACMG Guidelines, 2015. Collection method: clinical testing. Allele origin: germline. Affected: yes.
Comment: The variant is observed at an extremely low frequency in the gnomAD v4.1.0 dataset (total allele frequency: <0.001%). Predicted Consequence/Location: Missense variant Functional studies provide moderate evidence of the variant having a damaging effect on the gene or gene product (PMID: 29160033, 31146036). In silico tool predictions suggest damaging effect of the variant on gene or gene product [REVEL: 0.91 (>=0.6, sensitivity 0.68 and specificity 0.92); 3Cnet: 1.00 (> 0.75, sensitivity 0.96 and precision 0.92)]. The same nucleotide change resulting in the same amino acid change has been previously reported as pathogenic/likely pathogenic with strong evidence (ClinVar ID: VCV001076160 /PMID: 29160033). Therefore, this variant is classified as Likely pathogenic according to the recommendation of ACMG/AMP guideline.

Baylor Genetics
Classification: Likely pathogenic for Adult hypophosphatasia. Last evaluated: 2024-03-18. Review status: criteria provided, single submitter. Criteria: ACMG Guidelines, 2015. Collection method: clinical testing. Allele origin: unknown.

Women's Health and Genetics/Laboratory Corporation of America, LabCorp
Classification: Pathogenic for Hypophosphatasia. Last evaluated: 2024-03-01. Review status: criteria provided, single submitter. Criteria: LabCorp Variant Classification Summary - May 2015. Collection method: clinical testing. Allele origin: germline.
Comment: Variant summary: ALPL c.532T>C (p.Tyr178His) results in a conservative amino acid change in the encoded protein sequence. Four of five in-silico tools predict a damaging effect of the variant on protein function. The variant allele was found at a frequency of 1.2e-05 in 251150 control chromosomes (gnomAD). c.532T>C has been reported in the literature in individuals affected with Hypophosphatasia who were compound heterozygous with other (likely) pathogenic variants (Ikenoue_2018, Uday_2019, Li_2020). These data indicate that the variant is likely to be associated with disease. Publications reports experimental evidence evaluating an impact on protein function, finding that the variant eliminates ALPL activity (Ikenoue_2018, Uday_2019). The following publications have been ascertained in the context of this evaluation (PMID: 29160033, 31146036, 32956941). ClinVar contains an entry for this variant (Variation ID: 1076160). Based on the evidence outlined above, the variant was classified as pathogenic.

Genomic Medicine Lab, University of California San Francisco
Classification: Likely pathogenic for Micromelia. Review status: criteria provided, single submitter. Criteria: ACMG Guidelines, 2015. Collection method: clinical testing. Allele origin: paternal. Study: CSER.

Juno Genomics, Hangzhou Juno Genomics, Inc
Classification: Pathogenic for Adult hypophosphatasia; Childhood hypophosphatasia; Infantile hypophosphatasia. Review status: criteria provided, single submitter. Criteria: ACMG Guidelines, 2015. Collection method: clinical testing. Allele origin: germline. Affected: yes.
Comment: Absent from controls (or at extremely low frequency if recessive) in Genome Aggregation Database, Exome Sequencing Project, 1000 Genomes Project, or Exome Aggregation Consortium.;Well-established in vitro or in vivo functional studies supportive of a damaging effect on the gene or gene product.;For recessive disorders, detected in trans with a pathogenic variant.;Co-segregation with disease in multiple affected family members in a gene definitively known to cause the disease.;Patient's phenotype or family history is highly specific for a disease with a single genetic etiology.

Literature cited by the submitters: PubMed 29160033 (cited by 5 submitters); PubMed 31146036 (cited by 5 submitters); PubMed 32956941 (cited by 3 submitters).

NM_000478.6(ALPL):c.532T>C (p.Tyr178His)

Gene: ALPL (alkaline phosphatase, biomineralization associated; plus strand). Cytogenetic location: 1p36.12.
Variant type: single nucleotide variant.
Coding change: c.532T>C on transcript NM_000478.6 (MANE Select); coding-DNA position 532, T replaced by C.
Protein change: p.Tyr178His; replaces tyrosine 178 with histidine.
Molecular consequence: missense variant.
Genome position (GRCh38, 1-based): chr1:21,564,100, T>C. VCF-style: chr1-21564100-T-C. GRCh37 (hg19) VCF-style: chr1-21890593-T-C.
Other names: c.532T>C (NM_000478.5); c.367T>C, p.Tyr123His (NM_001127501.4); c.301T>C, p.Tyr101His (NM_001177520.3); c.532T>C, p.Tyr178His (NM_001369803.2, NM_001369804.2, NM_001369805.2); short protein forms Y101H, Y123H, Y178H.
Identifiers: ClinVar variation 1076160 (VCV001076160.19), dbSNP rs1215600806, ClinGen allele CA338877913.